The following is an entry in ClinVar:

NM_001201543.2(FAM161A):c.595A>G (p.Ile199Val)

Gene: FAM161A (FAM161 centrosomal protein A; minus strand). Cytogenetic location: 2p15.
Variant type: single nucleotide variant.
Coding change: c.595A>G on transcript NM_001201543.2 (MANE Select); coding-DNA position 595, A replaced by G.
Protein change: p.Ile199Val; replaces isoleucine 199 with valine.
Molecular consequence: missense variant. On other transcripts: non-coding transcript variant (1).
Genome position (GRCh38, 1-based): chr2:61,840,409, T>C on the plus strand (A>G on the coding strand, the complement: FAM161A is on the minus strand). VCF-style: chr2-61840409-T-C. GRCh37 (hg19) VCF-style: chr2-62067544-T-C.
Other names: c.595A>G, p.Ile199Val (NM_032180.3); short protein forms I199V.
Identifiers: ClinVar variation 1009451 (VCV001009451.9), dbSNP rs1672974919, ClinGen allele CA346988816.

ClinVar aggregate classification (germline): Uncertain significance. Review status: criteria provided, single submitter (1 of 4 stars). 2 submissions from 2 submitters: Uncertain significance (1). 1 of the submissions does not count toward it. Last evaluated 2023-10-03.

Conditions:
Retinitis pigmentosa 28 (RP28). Identifiers: Orphanet 791, MedGen C1419614, MONDO:0011630, OMIM 606068.

Submissions (2):

Labcorp Genetics (formerly Invitae), Labcorp
Classification: Uncertain significance. Last evaluated: 2023-10-03. Review status: criteria provided, single submitter. Criteria: Invitae Variant Classification Sherloc (09022015). Collection method: clinical testing. Allele origin: germline.
Comment: This sequence change replaces isoleucine, which is neutral and non-polar, with valine, which is neutral and non-polar, at codon 199 of the FAM161A protein (p.Ile199Val). This variant is not present in population databases (gnomAD no frequency). This variant has not been reported in the literature in individuals affected with FAM161A-related conditions. ClinVar contains an entry for this variant (Variation ID: 1009451). Advanced modeling of protein sequence and biophysical properties (such as structural, functional, and spatial information, amino acid conservation, physicochemical variation, residue mobility, and thermodynamic stability) performed at Invitae indicates that this missense variant is expected to disrupt FAM161A protein function. In summary, the available evidence is currently insufficient to determine the role of this variant in disease. Therefore, it has been classified as a Variant of Uncertain Significance.

Natera, Inc.
Classification: Uncertain significance for Retinitis pigmentosa type 28. Last evaluated: 2020-11-12. Review status: no assertion criteria provided. Collection method: clinical testing. Allele origin: germline. Not counted in ClinVar's aggregate classification.